The following is an entry in ClinVar:

ClinVar aggregate classification (germline): Uncertain significance (1 of 4 stars; one submission).

gnomAD v4.1: 4 of 1,613,898 alleles (0.00025%); highest among the groups gnomAD compares: East Asian, 0.0067%; no homozygotes.

Submission:

Labcorp Genetics (formerly Invitae), Labcorp
Classification: Uncertain significance. Last evaluated: 2026-01-15. Review status: criteria provided, single submitter. Criteria: Invitae Variant Classification Sherloc (09022015). Collection method: clinical testing. Allele origin: germline.
Comment: This sequence change replaces lysine, which is basic and polar, with asparagine, which is neutral and polar, at codon 2099 of the CACNA1D protein (p.Lys2099Asn). This variant is present in population databases (no rsID available, gnomAD 0.06%). This variant has not been reported in the literature in individuals affected with CACNA1D-related conditions. An algorithm developed to predict the effect of missense changes on protein structure and function (PolyPhen-2) suggests that this variant is likely to be tolerated. In summary, the available evidence is currently insufficient to determine the role of this variant in disease. Therefore, it has been classified as a Variant of Uncertain Significance.

NM_001128840.3(CACNA1D):c.6237A>C (p.Lys2079Asn)

Gene: CACNA1D (calcium voltage-gated channel subunit alpha1 D; plus strand). Cytogenetic location: 3p21.1.
Variant type: single nucleotide variant.
Coding change: c.6237A>C on transcript NM_001128840.3 (MANE Select); coding-DNA position 6237, A replaced by C.
Protein change: p.Lys2079Asn; replaces lysine 2079 with asparagine.
Molecular consequence: missense variant.
Genome position (GRCh38, 1-based): chr3:53,811,157, A>C. VCF-style: chr3-53811157-A-C. GRCh37 (hg19) VCF-style: chr3-53845184-A-C.
Other names: c.6297A>C, p.Lys2099Asn (NM_000720.4); c.6165A>C, p.Lys2055Asn (NM_001128839.3); short protein forms K2055N, K2099N, K2079N.
Identifiers: ClinVar variation 4774229 (VCV004774229.1).
Genomic context (GRCh38, chr3:53,811,157, plus strand): 5'-CCTCTTTTCTGTACAGGTCCTGATATCCGAAGGCTTGGGACGCTATGCAAGGGACCCAAA[A>C]TTTGTGTCAGCAACAAAACACGAAATCGCTGATGCCTGTGACCTCACCATCGACGAGATG-3'
Protein context (NP_001122312.1, residues 2069-2089): EGLGRYARDP[Lys2079Asn]FVSATKHEIA